The following is an entry in ClinVar:

NM_182920.2(ADAMTS9):c.5120A>G (p.Asn1707Ser)

Genes: ADAMTS9 (ADAM metallopeptidase with thrombospondin type 1 motif 9; minus strand), LOC126806704 (BRD4-independent group 4 enhancer GRCh37_chr3:64526487-64527686; plus strand). Cytogenetic location: 3p14.1.
Variant type: single nucleotide variant.
Coding change: c.5120A>G on transcript NM_182920.2 (MANE Select); coding-DNA position 5120, A replaced by G.
Protein change: p.Asn1707Ser; replaces asparagine 1707 with serine.
Molecular consequence: missense variant.
Genome position (GRCh38, 1-based): chr3:64,541,915, T>C on the plus strand (A>G on the coding strand, the complement: ADAMTS9 is on the minus strand). VCF-style: chr3-64541915-T-C. GRCh37 (hg19) VCF-style: chr3-64527591-T-C.
Other names: c.5036A>G, p.Asn1679Ser (NM_001318781.2); short protein forms N1707S, N1679S.
Identifiers: ClinVar variation 1986589 (VCV001986589.4), dbSNP rs372767622, ClinGen allele CA2480269.
Genomic context (GRCh38, chr3:64,541,915, plus strand): 5'-CAGGTTTTTCGTTCTTCTGGCTTCAGATCAGTGTGGCATAAGTGGCTGGGTTGGTCCTCA[T>C]TGGTTAAACATTGCACAGATCTCTGCATCACTCCAACACCACAAGACACTGAGCACTGTA-3'
Protein context (NP_891550.1, residues 1697-1717): VMQRSVQCLT[Asn1707Ser]EDQPSHLCHT

ClinVar aggregate classification (germline): Uncertain significance (1 of 4 stars; one submission).

Allele frequency attached by ClinVar (database versions not stated): gnomAD exomes below 0.00001; ExAC 0.00001; TOPMed 0.00001; ESP Exome Variant Server 0.00008.
gnomAD v4.1: 3 of 1,614,136 alleles (0.00019%); highest among the groups gnomAD compares: African/African-American, 0.0027%; no homozygotes.

Submission:

Labcorp Genetics (formerly Invitae), Labcorp
Classification: Uncertain significance. Last evaluated: 2024-02-24. Review status: criteria provided, single submitter. Criteria: Invitae Variant Classification Sherloc (09022015). Collection method: clinical testing. Allele origin: germline.
Comment: This sequence change replaces asparagine, which is neutral and polar, with serine, which is neutral and polar, at codon 1707 of the ADAMTS9 protein (p.Asn1707Ser). This variant is present in population databases (rs372767622, gnomAD 0.007%). This variant has not been reported in the literature in individuals affected with ADAMTS9-related conditions. ClinVar contains an entry for this variant (Variation ID: 1986589). Algorithms developed to predict the effect of missense changes on protein structure and function output the following: SIFT: "Not Available"; PolyPhen-2: "Benign"; Align-GVGD: "Not Available". The serine amino acid residue is found in multiple mammalian species, which suggests that this missense change does not adversely affect protein function. In summary, the available evidence is currently insufficient to determine the role of this variant in disease. Therefore, it has been classified as a Variant of Uncertain Significance.